The following is an entry in ClinVar:

NM_001382430.1(AKT1):c.253G>A (p.Glu85Lys)

Gene: AKT1 (AKT serine/threonine kinase 1; minus strand). Cytogenetic location: 14q32.33.
Variant type: single nucleotide variant.
Coding change: c.253G>A on transcript NM_001382430.1 (MANE Select); coding-DNA position 253, G replaced by A.
Protein change: p.Glu85Lys; replaces glutamic acid 85 with lysine.
Molecular consequence: missense variant.
Genome position (GRCh38, 1-based): chr14:104,776,693, C>T on the plus strand (G>A on the coding strand, the complement: AKT1 is on the minus strand). VCF-style: chr14-104776693-C-T. GRCh37 (hg19) VCF-style: chr14-105243030-C-T.
Other names: c.253G>A, p.Glu85Lys (NM_001014431.2, NM_001014432.2, NM_001382431.1 and 3 more transcripts); short protein forms E85K.
Identifiers: ClinVar variation 1403160 (VCV001403160.9), dbSNP rs1566818890, ClinGen allele CA391220683.

ClinVar aggregate classification (germline): Uncertain significance (1 of 4 stars; one submission).

Conditions:
Cowden syndrome 6 (CWS6). Identifiers: Orphanet 201, MedGen C3554519, MONDO:0014048, OMIM 615109.

Allele frequency attached by ClinVar (database versions not stated): gnomAD exomes below 0.00001.
gnomAD v4.1: 1 of 1,613,444 alleles (0.000062%); highest among the groups gnomAD compares: Non-Finnish European, 0.000085%; no homozygotes.

Submission:

Labcorp Genetics (formerly Invitae), Labcorp
Classification: Uncertain significance for Cowden syndrome 6. Last evaluated: 2022-06-20. Review status: criteria provided, single submitter. Criteria: Invitae Variant Classification Sherloc (09022015). Collection method: clinical testing. Allele origin: germline.
Comment: This sequence change replaces glutamic acid, which is acidic and polar, with lysine, which is basic and polar, at codon 85 of the AKT1 protein (p.Glu85Lys). In summary, the available evidence is currently insufficient to determine the role of this variant in disease. Therefore, it has been classified as a Variant of Uncertain Significance. Algorithms developed to predict the effect of missense changes on protein structure and function (SIFT, PolyPhen-2, Align-GVGD) all suggest that this variant is likely to be disruptive. This variant has not been reported in the literature in individuals affected with AKT1-related conditions. This variant is not present in population databases (gnomAD no frequency).